The following is an entry in ClinVar:

NM_001130987.2(DYSF):c.2330A>G (p.Lys777Arg)

Gene: DYSF (dysferlin; plus strand). Cytogenetic location: 2p13.2.
Variant type: single nucleotide variant.
Coding change: c.2330A>G on transcript NM_001130987.2 (MANE Select); coding-DNA position 2330, A replaced by G.
Protein change: p.Lys777Arg; replaces lysine 777 with arginine.
Molecular consequence: missense variant.
Genome position (GRCh38, 1-based): chr2:71,561,865, A>G. VCF-style: chr2-71561865-A-G. GRCh37 (hg19) VCF-style: chr2-71788995-A-G.
Other names: p.Lys759Arg; c.2279A>G, p.Lys760Arg (NM_001130455.2, NM_001130983.2); c.2234A>G, p.Lys745Arg (NM_001130976.2, NM_001130977.2); c.2276A>G, p.Lys759Arg (NM_001130978.2, NM_003494.4); c.2369A>G, p.Lys790Arg (NM_001130979.2); c.2327A>G, p.Lys776Arg (NM_001130980.2, NM_001130981.2); c.2372A>G, p.Lys791Arg (NM_001130982.2); c.2237A>G, p.Lys746Arg (NM_001130984.2, NM_001130986.2); and 1 more; short protein forms K759R, K777R, K746R, K776R, K760R, K791R, K745R, K790R.
Identifiers: ClinVar variation 538632 (VCV000538632.8), dbSNP rs372475742, ClinGen allele CA1706123.

ClinVar aggregate classification (germline): Uncertain significance. Review status: criteria provided, multiple submitters, no conflicts (2 of 4 stars). 4 submissions from 4 submitters: Uncertain significance (3). 1 of the submissions does not count toward it. Last evaluated 2024-08-09.

Conditions:
Autosomal recessive limb-girdle muscular dystrophy type 2B (LGMDR2). Also called: Limb-girdle muscular dystrophy, type 2B; MUSCULAR DYSTROPHY, LIMB-GIRDLE, TYPE 3; Limb-Girdle Muscular Dystrophy Type 2B (LGMD2B); MUSCULAR DYSTROPHY, LIMB-GIRDLE, AUTOSOMAL RECESSIVE 2. Identifiers: Orphanet 268, MedGen C1850889, MONDO:0009676, OMIM 253601.
Neuromuscular disease caused by qualitative or quantitative defects of dysferlin. Also called: Dysferlinopathy; Qualitative or quantitative defects of dysferlin. Identifiers: Orphanet 207073, MedGen C2931687, MONDO:0016145.

Allele frequency attached by ClinVar (database versions not stated): gnomAD exomes 0.00001 and 0.00002; TOPMed 0.00001; ExAC 0.00002; ESP Exome Variant Server 0.00008.
gnomAD v4.1: 9 of 1,614,120 alleles (0.00056%); highest among the groups gnomAD compares: Non-Finnish European, 0.00076%; no homozygotes.

Submissions (4):

Mayo Clinic Laboratories, Mayo Clinic
Classification: Uncertain significance. Last evaluated: 2024-08-09. Review status: criteria provided, single submitter. Criteria: ACMG Guidelines, 2015. Collection method: clinical testing. Allele origin: germline. Observed: 1 variant allele.
Comment: BP4, PM2

Labcorp Genetics (formerly Invitae), Labcorp
Classification: Uncertain significance for Neuromuscular disease caused by qualitative or quantitative defects of dysferlin. Last evaluated: 2021-12-03. Review status: criteria provided, single submitter. Criteria: Invitae Variant Classification Sherloc (09022015). Collection method: clinical testing. Allele origin: germline.
Comment: This sequence change replaces lysine, which is basic and polar, with arginine, which is basic and polar, at codon 759 of the DYSF protein (p.Lys759Arg). This variant is present in population databases (rs372475742, gnomAD 0.003%). This variant has not been reported in the literature in individuals affected with DYSF-related conditions. ClinVar contains an entry for this variant (Variation ID: 538632). Advanced modeling of protein sequence and biophysical properties (such as structural, functional, and spatial information, amino acid conservation, physicochemical variation, residue mobility, and thermodynamic stability) performed at Invitae indicates that this missense variant is not expected to disrupt DYSF protein function. In summary, the available evidence is currently insufficient to determine the role of this variant in disease. Therefore, it has been classified as a Variant of Uncertain Significance.

Revvity Omics, Revvity
Classification: Uncertain significance. Last evaluated: 2021-11-04. Review status: criteria provided, single submitter. Criteria: ACMG Guidelines, 2015. Collection method: clinical testing. Allele origin: germline.

Natera, Inc.
Classification: Uncertain significance for Limb-girdle muscular dystrophy type 2B. Last evaluated: 2020-04-23. Review status: no assertion criteria provided. Collection method: clinical testing. Allele origin: germline. Not counted in ClinVar's aggregate classification.